The following is an entry in ClinVar:

ClinVar aggregate classification (germline): Uncertain significance (1 of 4 stars; one submission).

Allele frequency attached by ClinVar (database versions not stated): gnomAD 0.00001; gnomAD exomes 0.00001; TOPMed 0.00001.
gnomAD v4.1: 15 of 1,613,192 alleles (0.00093%); highest among the groups gnomAD compares: Admixed American, 0.0017%; no homozygotes.

Submission:

Labcorp Genetics (formerly Invitae), Labcorp
Classification: Uncertain significance. Last evaluated: 2024-10-25. Review status: criteria provided, single submitter. Criteria: Invitae Variant Classification Sherloc (09022015). Collection method: clinical testing. Allele origin: germline.
Comment: This sequence change replaces alanine, which is neutral and non-polar, with valine, which is neutral and non-polar, at codon 380 of the DOCK6 protein (p.Ala380Val). This variant is present in population databases (no rsID available, gnomAD 0.003%). This variant has not been reported in the literature in individuals affected with DOCK6-related conditions. ClinVar contains an entry for this variant (Variation ID: 1402547). Invitae Evidence Modeling of protein sequence and biophysical properties (such as structural, functional, and spatial information, amino acid conservation, physicochemical variation, residue mobility, and thermodynamic stability) has been performed for this missense variant. However, the output from this modeling did not meet the statistical confidence thresholds required to predict the impact of this variant on DOCK6 protein function. In summary, the available evidence is currently insufficient to determine the role of this variant in disease. Therefore, it has been classified as a Variant of Uncertain Significance.

NM_020812.4(DOCK6):c.1139C>T (p.Ala380Val)

Gene: DOCK6 (dedicator of cytokinesis 6; minus strand). Cytogenetic location: 19p13.2.
Variant type: single nucleotide variant.
Coding change: c.1139C>T on transcript NM_020812.4 (MANE Select); coding-DNA position 1139, C replaced by T.
Protein change: p.Ala380Val; replaces alanine 380 with valine.
Molecular consequence: missense variant.
Genome position (GRCh38, 1-based): chr19:11,243,676, G>A on the plus strand (C>T on the coding strand, the complement: DOCK6 is on the minus strand). VCF-style: chr19-11243676-G-A. GRCh37 (hg19) VCF-style: chr19-11354352-G-A.
Other names: c.1139C>T, p.Ala380Val (NM_001367830.1); short protein forms A380V.
Identifiers: ClinVar variation 1402547 (VCV001402547.6), dbSNP rs1311161300, ClinGen allele CA404110623.